The following is an entry in ClinVar:

NM_000158.4(GBE1):c.1655C>T (p.Pro552Leu)

Gene: GBE1 (1,4-alpha-glucan branching enzyme 1; minus strand). Cytogenetic location: 3p12.2.
Variant type: single nucleotide variant.
Coding change: c.1655C>T on transcript NM_000158.4 (MANE Select); coding-DNA position 1655, C replaced by T.
Protein change: p.Pro552Leu; replaces proline 552 with leucine.
Molecular consequence: missense variant.
Genome position (GRCh38, 1-based): chr3:81,537,059, G>A on the plus strand (C>T on the coding strand, the complement: GBE1 is on the minus strand). VCF-style: chr3-81537059-G-A. GRCh37 (hg19) VCF-style: chr3-81586210-G-A.
Other names: short protein forms P552L.
Identifiers: ClinVar variation 640895 (VCV000640895.8), dbSNP rs777589783, ClinGen allele CA2499598.

ClinVar aggregate classification (germline): Likely pathogenic. Review status: criteria provided, multiple submitters, no conflicts (2 of 4 stars). 2 submissions from 2 submitters: Likely pathogenic (2). Last evaluated 2025-12-29.

Conditions:
Glycogen storage disease, type IV (GSD4). Also called: AMYLOPECTINOSIS; ANDERSEN DISEASE; BRANCHER DEFICIENCY; CIRRHOSIS, FAMILIAL, WITH DEPOSITION OF ABNORMAL GLYCOGEN; GBE1 DEFICIENCY; GLYCOGEN BRANCHING ENZYME DEFICIENCY. Identifiers: Orphanet 367, MedGen C0017923, MONDO:0009292, OMIM 232500.
Glycogen storage disease IV, classic hepatic. Also called: GSD IV, CLASSIC HEPATIC. Identifiers: MedGen C1856301.

Allele frequency attached by ClinVar (database versions not stated): gnomAD exomes below 0.00001; ExAC 0.00001; gnomAD 0.00001; TOPMed 0.00002.

Submissions (2):

Natera, Inc.
Classification: Likely pathogenic for Glycogen storage disease type IV. Last evaluated: 2025-12-29. Review status: criteria provided, single submitter. Criteria: Natera Variant Classification Schema (03/2026). Collection method: clinical testing. Allele origin: germline.
Comment: The c.1655C>T variant in GBE1 is a missense variant predicted to cause substitution of proline to leucine at amino acid 552. This variant is rare in the general population with a frequency below the threshold expected for the associated phenotype(s). This variant has been observed in one or more individuals affected with the associated recessive disease, as either homozygous or compound heterozygous with a second variant (PMID: 41308240, 38912588). This variant has been identified in one or more affected individual with a phenotype highly consistent with the associated gene (PMID: 41308240). Computational prediction algorithms indicate this variant is likely to affect gene or protein function. Given the available evidence, this variant is classified as Likely Pathogenic.

Labcorp Genetics (formerly Invitae), Labcorp
Classification: Likely pathogenic for Glycogen storage disease, type IV; Glycogen storage disease IV, classic hepatic. Last evaluated: 2024-07-16. Review status: criteria provided, single submitter. Criteria: Invitae Variant Classification Sherloc (09022015). Collection method: clinical testing. Allele origin: germline.
Comment: This sequence change replaces proline, which is neutral and non-polar, with leucine, which is neutral and non-polar, at codon 552 of the GBE1 protein (p.Pro552Leu). The frequency data for this variant in the population databases is considered unreliable, as metrics indicate poor data quality at this position in the gnomAD database. This missense change has been observed in individual(s) with glycogen storage disease (PMID: 20058079; Invitae). In at least one individual the data is consistent with being in trans (on the opposite chromosome) from a pathogenic variant. ClinVar contains an entry for this variant (Variation ID: 640895). Advanced modeling of protein sequence and biophysical properties (such as structural, functional, and spatial information, amino acid conservation, physicochemical variation, residue mobility, and thermodynamic stability) performed at Invitae indicates that this missense variant is expected to disrupt GBE1 protein function with a positive predictive value of 95%. In summary, the currently available evidence indicates that the variant is pathogenic, but additional data are needed to prove that conclusively. Therefore, this variant has been classified as Likely Pathogenic.

Literature cited by the submitters: PubMed 41308240 (cited by Natera, Inc.); PubMed 38912588 (cited by Natera, Inc.); PubMed 20058079 (cited by Labcorp Genetics (formerly Invitae), Labcorp).